The following is an entry in ClinVar:

NM_006074.5(TRIM22):c.798G>C (p.Lys266Asn)

Gene: TRIM22 (tripartite motif containing 22; plus strand). Cytogenetic location: 11p15.4.
Variant type: single nucleotide variant.
Coding change: c.798G>C on transcript NM_006074.5 (MANE Select); coding-DNA position 798, G replaced by C.
Protein change: p.Lys266Asn; replaces lysine 266 with asparagine.
Molecular consequence: missense variant.
Genome position (GRCh38, 1-based): chr11:5,708,197, G>C. VCF-style: chr11-5708197-G-C. GRCh37 (hg19) VCF-style: chr11-5729427-G-C.
Other names: c.786G>C, p.Lys262Asn (NM_001199573.2); short protein forms K262N, K266N.
Identifiers: ClinVar variation 2634298 (VCV002634298.2), dbSNP rs759284311, ClinGen allele CA5845936.

ClinVar aggregate classification (germline): Uncertain significance. Review status: criteria provided, multiple submitters, no conflicts (2 of 4 stars). 2 submissions from 2 submitters: Uncertain significance (2). Last evaluated 2023-10-10.

Conditions:
TRIM22-related disorder. Also called: TRIM22-related condition.

Allele frequency attached by ClinVar (database versions not stated): gnomAD exomes 0.00002; ExAC 0.00007; gnomAD 0.00009; TOPMed 0.00011.
gnomAD v4.1: 73 of 1,614,064 alleles (0.0045%); highest among the groups gnomAD compares: East Asian, 0.06%; no homozygotes.

Submissions (2):

Ambry Genetics
Classification: Uncertain significance. Last evaluated: 2023-10-10. Review status: criteria provided, single submitter. Criteria: Ambry Variant Classification Scheme 2023. Collection method: clinical testing. Allele origin: germline.

PreventionGenetics, part of Exact Sciences
Classification: Uncertain significance for TRIM22-related condition. Last evaluated: 2022-10-11. Review status: criteria provided, single submitter. Criteria: ACMG Guidelines, 2015. Collection method: clinical testing. Allele origin: germline.
Comment: The TRIM22 c.798G>C variant is predicted to result in the amino acid substitution p.Lys266Asn. To our knowledge, this variant has not been reported in the literature. This variant is reported in 0.092% of alleles in individuals of East Asian descent in gnomAD. Although we suspect that this variant may be benign, at this time, the clinical significance of this variant is uncertain due to the absence of conclusive functional and genetic evidence.